The following is an entry in ClinVar:

NM_017654.4(SAMD9):c.346G>C (p.Gly116Arg)

Gene: SAMD9 (sterile alpha motif domain containing 9; minus strand). Cytogenetic location: 7q21.2.
Variant type: single nucleotide variant.
Coding change: c.346G>C on transcript NM_017654.4 (MANE Select); coding-DNA position 346, G replaced by C.
Protein change: p.Gly116Arg; replaces glycine 116 with arginine.
Molecular consequence: missense variant.
Genome position (GRCh38, 1-based): chr7:93,105,752, C>G on the plus strand (G>C on the coding strand, the complement: SAMD9 is on the minus strand). VCF-style: chr7-93105752-C-G. GRCh37 (hg19) VCF-style: chr7-92735065-C-G.
Other names: c.346G>C, p.Gly116Arg (NM_001193307.2); short protein forms G116R.
Identifiers: ClinVar variation 1337625 (VCV001337625.11), dbSNP rs763877299, ClinGen allele CA4343160.
Genomic context (GRCh38, chr7:93,105,752, plus strand): 5'-TAGAACCTTTAGCAGTTGTACTCATTGCAGACGGATTAGCCATATCTGGGTTCTCTTTAC[C>G]CTTTTGTTTTTGCTTTGAAGTTTCTCTACGTTCCTTTTGAGACACAGTTTGGTCTTTAGG-3'
Protein context (NP_060124.2, residues 106-126): RRETSKQKQK[Gly116Arg]KENPDMANPS

ClinVar aggregate classification (germline): Uncertain significance. Review status: criteria provided, multiple submitters, no conflicts (2 of 4 stars). 5 submissions from 5 submitters: Uncertain significance (5). Last evaluated 2025-12-01.

Conditions:
Inborn genetic diseases. Identifiers: MedGen C0950123, MeSH D030342.

Allele frequency attached by ClinVar (database versions not stated): ExAC 0.00001; gnomAD exomes 0.00002.
gnomAD v4.1: 86 of 1,613,854 alleles (0.0053%); highest among the groups gnomAD compares: Non-Finnish European, 0.0069%; no homozygotes.

Submissions (5):

Labcorp Genetics (formerly Invitae), Labcorp
Classification: Uncertain significance. Last evaluated: 2025-12-01. Review status: criteria provided, single submitter. Criteria: Invitae Variant Classification Sherloc (09022015). Collection method: clinical testing. Allele origin: germline.
Comment: This sequence change replaces glycine, which is neutral and non-polar, with arginine, which is basic and polar, at codon 116 of the SAMD9 protein (p.Gly116Arg). This variant is present in population databases (rs763877299, gnomAD 0.003%). This variant has not been reported in the literature in individuals affected with SAMD9-related conditions. ClinVar contains an entry for this variant (Variation ID: 1337625). Invitae Evidence Modeling of protein sequence and biophysical properties (such as structural, functional, and spatial information, amino acid conservation, physicochemical variation, residue mobility, and thermodynamic stability) indicates that this missense variant is not expected to disrupt SAMD9 protein function with a negative predictive value of 95%. In summary, the available evidence is currently insufficient to determine the role of this variant in disease. Therefore, it has been classified as a Variant of Uncertain Significance.

Ambry Genetics
Classification: Uncertain significance for Inborn genetic diseases. Last evaluated: 2025-06-24. Review status: criteria provided, single submitter. Criteria: Ambry Variant Classification Scheme 2023. Collection method: clinical testing. Allele origin: germline.

GeneDx
Classification: Uncertain significance. Last evaluated: 2024-10-17. Review status: criteria provided, single submitter. Criteria: GeneDx Variant Classification Process June 2021. Collection method: clinical testing. Allele origin: germline. Affected: yes.
Comment: Not observed at significant frequency in large population cohorts (gnomAD); In silico analysis supports that this missense variant does not alter protein structure/function; Has not been previously published as pathogenic or benign to our knowledge

ARUP Laboratories, Molecular Genetics and Genomics, ARUP Laboratories
Classification: Uncertain significance. Last evaluated: 2024-08-13. Review status: criteria provided, single submitter. Criteria: ARUP Molecular Germline Variant Investigation Process 2024. Collection method: clinical testing. Allele origin: germline.
Comment: The SMAD9 c.346G>C; p.Gly116Arg variant (rs763877299), to our knowledge, is not reported in the medical literature but is reported in ClinVar (Variation ID: 1337625). This variant is found in the general population with an overall allele frequency of 0.002% (5/282,754 alleles) in the Genome Aggregation Database (v2.1.1). Computational analyses predict that this variant is neutral (REVEL: 0.028). However, given the lack of clinical and functional data, the significance of this variant is uncertain at this time.

Genetic Services Laboratory, University of Chicago
Classification: Uncertain significance. Last evaluated: 2020-04-20. Review status: criteria provided, single submitter. Criteria: ACMG Guidelines, 2015. Collection method: clinical testing. Allele origin: germline. Affected: no.
Comment: DNA sequence analysis of the SAMD9 gene demonstrated a sequence change, c.346G>C, in exon 3 that results in an amino acid change, p.Gly116Arg. This sequence change does not appear to have been previously described in patients with SAMD9-related disorders and has been described in the gnomAD database in one individual which corresponds to a population frequency of 0.0018% (dbSNP rs763877299). The p.Gly116Arg change affects a poorly conserved amino acid residue located in a domain of the SAMD9 protein that is not known to be functional. The p.Gly116Arg substitution appears to be benign using several in-silico pathogenicity prediction tools (SIFT, PolyPhen2, Align GVGD, REVEL). Due to these contrasting evidences and the lack of functional studies, the clinical significance of the p.Gly116Arg change remains unknown at this time.